The following is an entry in ClinVar:

NM_006908.5(RAC1):c.409A>G (p.Ile137Val)

Gene: RAC1 (Rac family small GTPase 1; plus strand). Cytogenetic location: 7p22.1.
Variant type: single nucleotide variant.
Coding change: c.409A>G on transcript NM_006908.5 (MANE Select); coding-DNA position 409, A replaced by G.
Protein change: p.Ile137Val; replaces isoleucine 137 with valine.
Molecular consequence: missense variant.
Genome position (GRCh38, 1-based): chr7:6,401,988, A>G. VCF-style: chr7-6401988-A-G. GRCh37 (hg19) VCF-style: chr7-6441619-A-G.
Other names: c.466A>G, p.Ile156Val (NM_018890.4); short protein forms I137V, I156V.
Identifiers: ClinVar variation 1699147 (VCV001699147.3), dbSNP rs770760146, ClinGen allele CA366766547.

ClinVar aggregate classification (germline): Uncertain significance (1 of 4 stars; one submission).

Conditions:
Intellectual developmental disorder, autosomal dominant 48. Also called: Intellectual disability, autosomal dominant 48; MENTAL RETARDATION, AUTOSOMAL DOMINANT 48. Identifiers: Orphanet 500159, MedGen C4540321, MONDO:0030913, OMIM 617751.

Submission:

Victorian Clinical Genetics Services, Murdoch Childrens Research Institute
Classification: Uncertain significance for Intellectual developmental disorder, autosomal dominant 48. Last evaluated: 2021-05-06. Review status: criteria provided, single submitter. Criteria: ACMG Guidelines, 2015. Collection method: clinical testing. Allele origin: germline. Inheritance: Autosomal dominant inheritance. Affected: yes.
Comment: Based on the classification scheme VCGS_Germline_v1.3.4, this variant is classified as VUS-3A. Following criteria are met: 0105 - The mechanism of disease for this gene is not clearly established. Dominant-negative, loss-of-function and gain-of-function have all been suggested (PMID: 28886345, 30042656). (I) 0107 - This gene is associated with autosomal dominant disease. (I) 0115 - Variants in this gene are known to have variable expressivity. Individuals were reported to have varying severity of intellectual disability as well as the presence of neurological, cognitive and brain MRI anomalies (PMID: 28886345). (I) 0200 - Variant is predicted to result in a missense amino acid change from isoleucine to valine . (I) 0251 - This variant is heterozygous. (I) 0301 - Variant is absent from gnomAD (both v2 and v3). (SP) 0309 - An alternative amino acid change at the same position has been observed in gnomAD (v2: 1 heterozygote, 0 homozygotes). (I) 0503 - Missense variant consistently predicted to be tolerated by multiple in silico tools or not conserved in placental mammals with a minor amino acid change. (SB) 0603 - Missense variant in a region that is highly intolerant to missense variation (high constraint region in DECIPHER). (SP) 0705 - No comparable missense variants have previous evidence for pathogenicity. (I) 0807 - This variant has no previous evidence of pathogenicity. (I) 0905 - No published segregation evidence has been identified for this variant. (I) 1007 - No published functional evidence has been identified for this variant. (I) 1208 - Inheritance information for this variant is not currently available in this individual. (I) Legend: (SP) - Supporting pathogenic, (I) - Information, (SB) - Supporting benign

Literature cited by the submitters: PubMed 28886345; PubMed 30042656.